The following is an entry in ClinVar:

ClinVar aggregate classification (germline): Uncertain significance. Review status: criteria provided, multiple submitters, no conflicts (2 of 4 stars). 2 submissions from 2 submitters: Uncertain significance (2). Last evaluated 2026-03-09.

Allele frequency attached by ClinVar (database versions not stated): TOPMed below 0.00001.
gnomAD v4.1: 13 of 1,612,460 alleles (0.00081%); highest among the groups gnomAD compares: Non-Finnish European, 0.0011%; no homozygotes.

Submissions (2):

Women's Health and Genetics/Laboratory Corporation of America, LabCorp
Classification: Uncertain significance. Last evaluated: 2026-03-09. Review status: criteria provided, single submitter. Criteria: LabCorp Variant Classification Summary - May 2015. Collection method: clinical testing. Allele origin: germline.
Comment: Variant summary: TNXB c.2018A>C (p.Tyr673Ser) results in a non-conservative amino acid change located in the EGF-like domain (IPR000742) of the encoded protein sequence. Algorithms developed to predict the effect of missense changes on protein structure and function are either unavailable or do not agree on the potential impact of this missense change. The variant was absent in 241706 control chromosomes. The available data on variant occurrences in the general population are insufficient to allow any conclusion about variant significance. c.2018A>C has been observed in at least one individual who had a spontaneous coronary artery dissection (example: Tarr_2022). This report does not provide unequivocal conclusions about association of the variant with Ehlers-Danlos syndrome due to tenascin-X deficiency. To our knowledge, no experimental evidence demonstrating an impact on protein function has been reported. The following publication has been ascertained in the context of this evaluation (PMID: 35583931). ClinVar contains an entry for this variant (Variation ID: 391705). Based on the evidence outlined above, the variant was classified as uncertain significance.

GeneDx
Classification: Uncertain significance. Last evaluated: 2016-12-23. Review status: criteria provided, single submitter. Criteria: GeneDx Variant Classification (06012015). Collection method: clinical testing. Allele origin: germline. Affected: yes.
Comment: The Y673S variant in the TNXB gene has not been reported previously as a pathogenic variant, nor as a benign variant, to our knowledge. The Y673S variant was not observed in approximately 6,400 individuals of European and African American ancestry in the NHLBI Exome Sequencing Project, indicating it is not a common benign variant in these populations. The Y673S variant is a semi-conservative amino acid substitution, which may impact secondary protein structure as these residues differ in some properties. This substitution occurs at a position that is conserved in mammals. In silico analysis predicts this variant is probably damaging to the protein structure/function. We interpret Y673S as a variant of uncertain significance.

Literature cited by the submitters: PubMed 35583931 (cited by Women's Health and Genetics/Laboratory Corporation of America, LabCorp).

NM_001365276.2(TNXB):c.2018A>C (p.Tyr673Ser)

Gene: TNXB (tenascin XB; minus strand). Cytogenetic location: 6p21.33.
Variant type: single nucleotide variant.
Coding change: c.2018A>C on transcript NM_001365276.2 (MANE Select); coding-DNA position 2018, A replaced by C.
Protein change: p.Tyr673Ser; replaces tyrosine 673 with serine.
Molecular consequence: missense variant.
Genome position (GRCh38, 1-based): chr6:32,095,835, T>G on the plus strand (A>C on the coding strand, the complement: TNXB is on the minus strand). VCF-style: chr6-32095835-T-G. GRCh37 (hg19) VCF-style: chr6-32063612-T-G.
Other names: c.2018A>C, p.Tyr673Ser (NM_019105.8); short protein forms Y673S.
Identifiers: ClinVar variation 391705 (VCV000391705.5), dbSNP rs759713941, ClinGen allele CA16605095.